The following is an entry in ClinVar:

NM_000038.6(APC):c.4830T>G (p.Ser1610Arg)

Gene: APC (APC regulator of Wnt signaling pathway; plus strand). Cytogenetic location: 5q22.2.
Variant type: single nucleotide variant.
Coding change: c.4830T>G on transcript NM_000038.6 (MANE Select); coding-DNA position 4830, T replaced by G.
Protein change: p.Ser1610Arg; replaces serine 1610 with arginine.
Molecular consequence: missense variant.
Genome position (GRCh38, 1-based): chr5:112,840,424, T>G. VCF-style: chr5-112840424-T-G. GRCh37 (hg19) VCF-style: chr5-112176121-T-G.
Other names: c.4830T>G, p.Ser1610Arg (NM_001127510.3, NM_001354895.2); c.4776T>G, p.Ser1592Arg (NM_001127511.3); c.4884T>G, p.Ser1628Arg (NM_001354896.2); c.4860T>G, p.Ser1620Arg (NM_001354897.2); c.4755T>G, p.Ser1585Arg (NM_001354898.2); c.4746T>G, p.Ser1582Arg (NM_001354899.2); c.4707T>G, p.Ser1569Arg (NM_001354900.2); c.4653T>G, p.Ser1551Arg (NM_001354901.2); and 5 more; short protein forms S1484R, S1519R, S1569R, S1450R, S1551R, S1610R, S1620R, S1327R.
Identifiers: ClinVar variation 825216 (VCV000825216.5), dbSNP rs1580653129, ClinGen allele CA16031915.

ClinVar aggregate classification (germline): Uncertain significance. Review status: criteria provided, multiple submitters, no conflicts (2 of 4 stars). 2 submissions from 2 submitters: Uncertain significance (2). Last evaluated 2025-08-29.

Conditions:
Hereditary cancer-predisposing syndrome. Also called: Neoplastic Syndromes, Hereditary; Tumor predisposition; Hereditary neoplastic syndrome; Hereditary Cancer Syndrome. Identifiers: Orphanet 140162, MedGen C0027672, MeSH D009386, MONDO:0015356.
Familial adenomatous polyposis 1 (FAP1). Also called: POLYPOSIS, ADENOMATOUS INTESTINAL; FAMILIAL ADENOMATOUS POLYPOSIS 1, ATTENUATED. Identifiers: MedGen C2713442, MONDO:0021056, OMIM 175100. Disease mechanism: loss of function.

Submissions (2):

Labcorp Genetics (formerly Invitae), Labcorp
Classification: Uncertain significance for Familial adenomatous polyposis 1. Last evaluated: 2025-08-29. Review status: criteria provided, single submitter. Criteria: Invitae Variant Classification Sherloc (09022015). Collection method: clinical testing. Allele origin: germline.
Comment: This sequence change replaces serine, which is neutral and polar, with arginine, which is basic and polar, at codon 1610 of the APC protein (p.Ser1610Arg). This variant is not present in population databases (gnomAD no frequency). This variant has not been reported in the literature in individuals affected with APC-related conditions. ClinVar contains an entry for this variant (Variation ID: 825216). Invitae Evidence Modeling of protein sequence and biophysical properties (such as structural, functional, and spatial information, amino acid conservation, physicochemical variation, residue mobility, and thermodynamic stability) indicates that this missense variant is not expected to disrupt APC protein function with a negative predictive value of 95%. In summary, the available evidence is currently insufficient to determine the role of this variant in disease. Therefore, it has been classified as a Variant of Uncertain Significance.

Ambry Genetics
Classification: Uncertain significance for Hereditary cancer-predisposing syndrome. Last evaluated: 2023-11-14. Review status: criteria provided, single submitter. Criteria: Ambry Variant Classification Scheme 2023. Collection method: clinical testing. Allele origin: germline.
Comment: The p.S1610R variant (also known as c.4830T>G), located in coding exon 15 of the APC gene, results from a T to G substitution at nucleotide position 4830. The serine at codon 1610 is replaced by arginine, an amino acid with dissimilar properties. This amino acid position is highly conserved in available vertebrate species. In addition, in silico predictors for this gene do not accurately predict pathogenicity. Since supporting evidence is limited at this time, the clinical significance of this alteration remains unclear.